The following is an entry in ClinVar:

NM_001134831.2(AHI1):c.1498T>A (p.Tyr500Asn)

Gene: AHI1 (Abelson helper integration site 1; minus strand). Cytogenetic location: 6q23.3.
Variant type: single nucleotide variant.
Coding change: c.1498T>A on transcript NM_001134831.2 (MANE Select); coding-DNA position 1498, T replaced by A.
Protein change: p.Tyr500Asn; replaces tyrosine 500 with asparagine.
Molecular consequence: missense variant.
Genome position (GRCh38, 1-based): chr6:135,448,418, A>T on the plus strand (T>A on the coding strand, the complement: AHI1 is on the minus strand). VCF-style: chr6-135448418-A-T. GRCh37 (hg19) VCF-style: chr6-135769556-A-T.
Other names: c.1498T>A, p.Tyr500Asn (NM_001134830.2, NM_001134832.2, NM_001350503.2 and 2 more transcripts); short protein forms Y500N.
Identifiers: ClinVar variation 1407623 (VCV001407623.8), dbSNP rs2128059133, ClinGen allele CA365745500.

ClinVar aggregate classification (germline): Uncertain significance (1 of 4 stars; one submission).

Conditions:
Joubert syndrome. Also called: CEREBELLOPARENCHYMAL DISORDER IV; JOUBERT-BOLTSHAUSER SYNDROME; Familial aplasia of the vermis. Identifiers: Orphanet 475, MedGen C5979921, MONDO:0018772.

Submission:

Labcorp Genetics (formerly Invitae), Labcorp
Classification: Uncertain significance for Joubert syndrome. Last evaluated: 2023-03-10. Review status: criteria provided, single submitter. Criteria: Invitae Variant Classification Sherloc (09022015). Collection method: clinical testing. Allele origin: germline.
Comment: This variant has not been reported in the literature in individuals affected with AHI1-related conditions. This variant is not present in population databases (gnomAD no frequency). This sequence change replaces tyrosine, which is neutral and polar, with asparagine, which is neutral and polar, at codon 500 of the AHI1 protein (p.Tyr500Asn). ClinVar contains an entry for this variant (Variation ID: 1407623). In summary, the available evidence is currently insufficient to determine the role of this variant in disease. Therefore, it has been classified as a Variant of Uncertain Significance. Advanced modeling of protein sequence and biophysical properties (such as structural, functional, and spatial information, amino acid conservation, physicochemical variation, residue mobility, and thermodynamic stability) performed at Invitae indicates that this missense variant is not expected to disrupt AHI1 protein function.